The following is an entry in ClinVar:

ClinVar aggregate classification (germline): Uncertain significance (1 of 4 stars; one submission).

Allele frequency attached by ClinVar (database versions not stated): ExAC 0.00001; gnomAD 0.00001; TOPMed 0.00001; gnomAD exomes 0.00004.
gnomAD v4.1: 59 of 1,613,996 alleles (0.0037%); highest among the groups gnomAD compares: Non-Finnish European, 0.0047%; no homozygotes.

Submission:

Labcorp Genetics (formerly Invitae), Labcorp
Classification: Uncertain significance. Last evaluated: 2022-06-24. Review status: criteria provided, single submitter. Criteria: Invitae Variant Classification Sherloc (09022015). Collection method: clinical testing. Allele origin: germline.
Comment: In summary, the available evidence is currently insufficient to determine the role of this variant in disease. Therefore, it has been classified as a Variant of Uncertain Significance. Algorithms developed to predict the effect of sequence changes on RNA splicing suggest that this variant may create or strengthen a splice site. Advanced modeling of protein sequence and biophysical properties (such as structural, functional, and spatial information, amino acid conservation, physicochemical variation, residue mobility, and thermodynamic stability) performed at Invitae indicates that this missense variant is expected to disrupt COQ8A protein function. This variant has not been reported in the literature in individuals affected with COQ8A-related conditions. This variant is present in population databases (rs760655614, gnomAD 0.006%). This sequence change replaces asparagine, which is neutral and polar, with serine, which is neutral and polar, at codon 493 of the COQ8A protein (p.Asn493Ser).

NM_020247.5(COQ8A):c.1478A>G (p.Asn493Ser)

Gene: COQ8A (coenzyme Q8A; plus strand). Cytogenetic location: 1q42.13.
Variant type: single nucleotide variant.
Coding change: c.1478A>G on transcript NM_020247.5 (MANE Select); coding-DNA position 1478, A replaced by G.
Protein change: p.Asn493Ser; replaces asparagine 493 with serine.
Molecular consequence: missense variant.
Genome position (GRCh38, 1-based): chr1:226,984,627, A>G. VCF-style: chr1-226984627-A-G. GRCh37 (hg19) VCF-style: chr1-227172328-A-G.
Other names: short protein forms N493S.
Identifiers: ClinVar variation 1898863 (VCV001898863.3), dbSNP rs760655614, ClinGen allele CA1425500.
Genomic context (GRCh38, chr1:226,984,627, plus strand): 5'-TTCTGTGCCTGAGGGAGCTGTTCGAGTTCCACTTCATGCAAACAGACCCCAACTGGTCCA[A>G]CTTCTTCTATGACCCCCAGCAGCACAAGGTGAGCCCCAGGGTGGGGGCACCCGCAGCCAG-3'
Protein context (NP_064632.2, residues 483-503): HFMQTDPNWS[Asn493Ser]FFYDPQQHKV